The following is an entry in ClinVar:

ClinVar aggregate classification (germline): Conflicting classifications of pathogenicity. Review status: criteria provided, conflicting classifications (1 of 4 stars). 2 submissions from 2 submitters: Uncertain significance (1); Likely benign (1). Last evaluated 2023-03-04.

Conditions:
Hereditary cancer-predisposing syndrome. Also called: Neoplastic Syndromes, Hereditary; Tumor predisposition; Hereditary Cancer Syndrome; Hereditary neoplastic syndrome. Identifiers: Orphanet 140162, MedGen C0027672, MeSH D009386, MONDO:0015356.
Ataxia-telangiectasia-like disorder (ATLD). Identifiers: MedGen C1858391, MONDO:0011457.

Submissions (2):

Labcorp Genetics (formerly Invitae), Labcorp
Classification: Uncertain significance for Ataxia-telangiectasia-like disorder. Last evaluated: 2023-03-04. Review status: criteria provided, single submitter. Criteria: Invitae Variant Classification Sherloc (09022015). Collection method: clinical testing. Allele origin: germline.
Comment: This sequence change replaces threonine, which is neutral and polar, with alanine, which is neutral and non-polar, at codon 610 of the MRE11 protein (p.Thr610Ala). In summary, the available evidence is currently insufficient to determine the role of this variant in disease. Therefore, it has been classified as a Variant of Uncertain Significance. Algorithms developed to predict the effect of missense changes on protein structure and function output the following: SIFT: "Not Available"; PolyPhen-2: "Benign"; Align-GVGD: "Not Available". The alanine amino acid residue is found in multiple mammalian species, which suggests that this missense change does not adversely affect protein function. ClinVar contains an entry for this variant (Variation ID: 233671). This variant has not been reported in the literature in individuals affected with MRE11-related conditions. This variant is not present in population databases (gnomAD no frequency).

Ambry Genetics
Classification: Likely benign for Hereditary cancer-predisposing syndrome. Last evaluated: 2022-08-30. Review status: criteria provided, single submitter. Criteria: Ambry Variant Classification Scheme 2023. Collection method: clinical testing. Allele origin: germline.

NM_005591.4(MRE11):c.1828A>G (p.Thr610Ala)

Gene: MRE11 (MRE11 double strand break repair nuclease; minus strand). Cytogenetic location: 11q21.
Variant type: single nucleotide variant.
Coding change: c.1828A>G on transcript NM_005591.4 (MANE Select); coding-DNA position 1828, A replaced by G.
Protein change: p.Thr610Ala; replaces threonine 610 with alanine.
Molecular consequence: missense variant. On other transcripts: intron variant (1).
Genome position (GRCh38, 1-based): chr11:94,445,849, T>C on the plus strand (A>G on the coding strand, the complement: MRE11 is on the minus strand). VCF-style: chr11-94445849-T-C. GRCh37 (hg19) VCF-style: chr11-94179015-T-C.
Other names: c.1825A>G, p.Thr609Ala (NM_001330347.2); c.1783+1370A>G (NM_005590.4); short protein forms T610A, T609A.
Identifiers: ClinVar variation 233671 (VCV000233671.8), dbSNP rs876660562, ClinGen allele CA10579362.